The following is an entry in ClinVar:

ClinVar aggregate classification (germline): Uncertain significance (1 of 4 stars; one submission).

Allele frequency attached by ClinVar (database versions not stated): TOPMed below 0.00001.

Submission:

Labcorp Genetics (formerly Invitae), Labcorp
Classification: Uncertain significance. Last evaluated: 2021-08-31. Review status: criteria provided, single submitter. Criteria: Invitae Variant Classification Sherloc (09022015). Collection method: clinical testing. Allele origin: germline.
Comment: In summary, the available evidence is currently insufficient to determine the role of this variant in disease. Therefore, it has been classified as a Variant of Uncertain Significance. Algorithms developed to predict the effect of missense changes on protein structure and function are either unavailable or do not agree on the potential impact of this missense change (SIFT: "Tolerated"; PolyPhen-2: "Probably Damaging"; Align-GVGD: "Class C0"). This variant has not been reported in the literature in individuals affected with C7-related conditions. This variant is not present in population databases (ExAC no frequency). This sequence change replaces serine with arginine at codon 180 of the C7 protein (p.Ser180Arg). The serine residue is moderately conserved and there is a moderate physicochemical difference between serine and arginine.

NM_000587.4(C7):c.540T>G (p.Ser180Arg)

Gene: C7 (complement C7; plus strand). Cytogenetic location: 5p13.1.
Variant type: single nucleotide variant.
Coding change: c.540T>G on transcript NM_000587.4 (MANE Select); coding-DNA position 540, T replaced by G.
Protein change: p.Ser180Arg; replaces serine 180 with arginine.
Molecular consequence: missense variant.
Genome position (GRCh38, 1-based): chr5:40,937,663, T>G. VCF-style: chr5-40937663-T-G. GRCh37 (hg19) VCF-style: chr5-40937765-T-G.
Other names: short protein forms S180R.
Identifiers: ClinVar variation 1381927 (VCV001381927.5), dbSNP rs1739845529, ClinGen allele CA359591357.